The following is an entry in ClinVar:

ClinVar aggregate classification (germline): Uncertain significance (1 of 4 stars; one submission).

Conditions:
MHC class I deficiency. Identifiers: Orphanet 34592, MedGen C6024714, MONDO:0011476.

Allele frequency attached by ClinVar (database versions not stated): gnomAD 0.00006 and 0.00005; gnomAD exomes 0.00002 and below 0.00001; TOPMed 0.00004.

Submission:

Labcorp Genetics (formerly Invitae), Labcorp
Classification: Uncertain significance for MHC class I deficiency 1. Last evaluated: 2022-03-28. Review status: criteria provided, single submitter. Criteria: Invitae Variant Classification Sherloc (09022015). Collection method: clinical testing. Allele origin: germline.
Comment: This sequence change replaces arginine, which is basic and polar, with tryptophan, which is neutral and slightly polar, at codon 368 of the TAP2 protein (p.Arg368Trp). This variant is not present in population databases (gnomAD no frequency). This variant has not been reported in the literature in individuals affected with TAP2-related conditions. Algorithms developed to predict the effect of missense changes on protein structure and function are either unavailable or do not agree on the potential impact of this missense change (SIFT: "Deleterious"; PolyPhen-2: "Not Available"; Align-GVGD: "Class C0"). In summary, the available evidence is currently insufficient to determine the role of this variant in disease. Therefore, it has been classified as a Variant of Uncertain Significance.

NM_001290043.2(TAP2):c.1102C>T (p.Arg368Trp)

Gene: TAP2 (transporter 2, ATP binding cassette subfamily B member; minus strand). Cytogenetic location: 6p21.32.
Variant type: single nucleotide variant.
Coding change: c.1102C>T on transcript NM_001290043.2 (MANE Select); coding-DNA position 1102, C replaced by T.
Protein change: p.Arg368Trp; replaces arginine 368 with tryptophan.
Molecular consequence: missense variant.
Genome position (GRCh38, 1-based): chr6:32,832,668, G>A on the plus strand (C>T on the coding strand, the complement: TAP2 is on the minus strand). VCF-style: chr6-32832668-G-A. GRCh37 (hg19) VCF-style: chr6-32800445-G-A.
Other names: c.1102C>T, p.Arg368Trp (NM_000544.3, NM_018833.3); short protein forms R368W.
Identifiers: ClinVar variation 1421278 (VCV001421278.3), dbSNP rs905027019, ClinGen allele CA136999809.
Genomic context (GRCh38, chr6:32,832,668, plus strand): 5'-AACCACTCTGGTATCTTACCCTCCTTACGAGCAGGTACAAGGCGCGTTCCAGGTCTCTCC[G>A]CCAATACAGCTGCCGACATTGTTCAAGGGCCTCTTTATAGCGACAGACTTCATGCTCCTC-3'
Protein context (NP_001276972.1, residues 358-378): ALEQCRQLYW[Arg368Trp]RDLERALYLL